The following is an entry in ClinVar:

NM_000193.4(SHH):c.1086G>C (p.Ser362=)

Gene: SHH (sonic hedgehog signaling molecule; minus strand). Cytogenetic location: 7q36.3.
Variant type: single nucleotide variant.
Coding change: c.1086G>C on transcript NM_000193.4 (MANE Select); coding-DNA position 1086, G replaced by C.
Protein change: p.Ser362=; no amino-acid change (serine 362 retained).
Molecular consequence: synonymous variant. On other transcripts: intron variant (1).
Genome position (GRCh38, 1-based): chr7:155,803,203, C>G on the plus strand (G>C on the coding strand, the complement: SHH is on the minus strand). VCF-style: chr7-155803203-C-G. GRCh37 (hg19) VCF-style: chr7-155595897-C-G.
Other names: c.302-2958G>C (NM_001310462.2).
Identifiers: ClinVar variation 3051037 (VCV003051037.3), dbSNP rs747202947, ClinGen allele CA458892544.

ClinVar aggregate classification (germline): Likely benign. Review status: criteria provided, single submitter (1 of 4 stars). 2 submissions from 2 submitters: Likely benign (1). 1 of the submissions does not count toward it. Last evaluated 2025-05-05.

Conditions:
SHH-related disorder. Also called: SHH-related disorders; SHH-related condition.

Submissions (2):

Women's Health and Genetics/Laboratory Corporation of America, LabCorp
Classification: Likely benign. Last evaluated: 2025-05-05. Review status: criteria provided, single submitter. Criteria: LabCorp Variant Classification Summary - May 2015. Collection method: clinical testing. Allele origin: germline.

PreventionGenetics, part of Exact Sciences
Classification: Likely benign for SHH-related condition. Last evaluated: 2020-01-27. Review status: no assertion criteria provided. Collection method: clinical testing. Allele origin: germline. Not counted in ClinVar's aggregate classification.
Comment: This variant is classified as likely benign based on ACMG/AMP sequence variant interpretation guidelines (Richards et al. 2015 PMID: 25741868, with internal and published modifications).